The following is an entry in ClinVar:

ClinVar aggregate classification (germline): Conflicting classifications of pathogenicity. Review status: criteria provided, conflicting classifications (1 of 4 stars). 3 submissions from 3 submitters: Uncertain significance (2); Benign (1). Last evaluated 2025-04-20.

Conditions:
Kabuki syndrome. Also called: NIIKAWA-KUROKI SYNDROME; Kabuki make-up syndrome. Identifiers: Orphanet 2322, MedGen C0796004, MONDO:0016512.
KMT2D-related disorder. Also called: KMT2D-Related Disorders.

gnomAD v4.1: 3 of 1,612,862 alleles (0.00019%); highest among the groups gnomAD compares: Admixed American, 0.0033%; no homozygotes.

Submissions (3):

Labcorp Genetics (formerly Invitae), Labcorp
Classification: Benign for Kabuki syndrome. Last evaluated: 2025-04-20. Review status: criteria provided, single submitter. Criteria: Invitae Variant Classification Sherloc (09022015). Collection method: clinical testing. Allele origin: germline.

Women's Health and Genetics/Laboratory Corporation of America, LabCorp
Classification: Uncertain significance. Last evaluated: 2024-06-07. Review status: criteria provided, single submitter. Criteria: LabCorp Variant Classification Summary - May 2015. Collection method: clinical testing. Allele origin: germline.
Comment: Variant summary: KMT2D c.2210G>C (p.Arg737Pro) results in a non-conservative amino acid change in the encoded protein sequence. Four of five in-silico tools predict a benign effect of the variant on protein function. The variant allele was found at a frequency of 8.1e-06 in 245732 control chromosomes, predominantly at a frequency of 5.8e-05 within the Latino subpopulation in the gnomAD database. The available data on variant occurrences in the general population are insufficient to allow any conclusion about variant significance. To our knowledge, no occurrence of c.2210G>C in individuals affected with Kabuki Syndrome 1 and no experimental evidence demonstrating its impact on protein function have been reported. ClinVar contains an entry for this variant (Variation ID: 2631876). Based on the evidence outlined above, the variant was classified as uncertain significance.

PreventionGenetics, part of Exact Sciences
Classification: Uncertain significance for KMT2D-related condition. Last evaluated: 2023-03-14. Review status: criteria provided, single submitter. Criteria: ACMG Guidelines, 2015. Collection method: clinical testing. Allele origin: germline.
Comment: The KMT2D c.2210G>C variant is predicted to result in the amino acid substitution p.Arg737Pro. To our knowledge, this variant has not been reported in the literature. This variant is reported in 0.0058% of alleles in individuals of Latino descent in gnomAD. At this time, the clinical significance of this variant is uncertain due to the absence of conclusive functional and genetic evidence.

NM_003482.4(KMT2D):c.2210G>C (p.Arg737Pro)

Gene: KMT2D (lysine methyltransferase 2D; minus strand). Cytogenetic location: 12q13.12.
Variant type: single nucleotide variant.
Coding change: c.2210G>C on transcript NM_003482.4 (MANE Select); coding-DNA position 2210, G replaced by C.
Protein change: p.Arg737Pro; replaces arginine 737 with proline.
Molecular consequence: missense variant.
Genome position (GRCh38, 1-based): chr12:49,051,473, C>G on the plus strand (G>C on the coding strand, the complement: KMT2D is on the minus strand). VCF-style: chr12-49051473-C-G. GRCh37 (hg19) VCF-style: chr12-49445256-C-G.
Other names: short protein forms R737P.
Identifiers: ClinVar variation 2631876 (VCV002631876.3), dbSNP rs749732303, ClinGen allele CA6548317.